The following is an entry in ClinVar:

ClinVar aggregate classification (germline): Uncertain significance (1 of 4 stars; one submission).

Conditions:
Neurofibromatosis, type 1 (NF1). Also called: Peripheral type neurofibromatosis; VON RECKLINGHAUSEN DISEASE; NEUROFIBROMATOSIS, TYPE I, SOMATIC; Neurofibromatosis, type I. Identifiers: Orphanet 636, MedGen C0027831, MONDO:0018975, OMIM 162200. Disease mechanism: loss of function.

Submission:

Labcorp Genetics (formerly Invitae), Labcorp
Classification: Uncertain significance for Neurofibromatosis, type 1. Last evaluated: 2022-08-18. Review status: criteria provided, single submitter. Criteria: Invitae Variant Classification Sherloc (09022015). Collection method: clinical testing. Allele origin: germline.
Comment: This variant has not been reported in the literature in individuals affected with NF1-related conditions. Advanced modeling of protein sequence and biophysical properties (such as structural, functional, and spatial information, amino acid conservation, physicochemical variation, residue mobility, and thermodynamic stability) performed at Invitae indicates that this missense variant is expected to disrupt NF1 protein function. In summary, the available evidence is currently insufficient to determine the role of this variant in disease. Therefore, it has been classified as a Variant of Uncertain Significance. This variant is not present in population databases (gnomAD no frequency). This sequence change replaces serine, which is neutral and polar, with arginine, which is basic and polar, at codon 1386 of the NF1 protein (p.Ser1386Arg).

NM_001042492.3(NF1):c.4219A>C (p.Ser1407Arg)

Gene: NF1 (neurofibromin 1; plus strand). Cytogenetic location: 17q11.2.
Variant type: single nucleotide variant.
Coding change: c.4219A>C on transcript NM_001042492.3 (MANE Select); coding-DNA position 4219, A replaced by C.
Protein change: p.Ser1407Arg; replaces serine 1407 with arginine.
Molecular consequence: missense variant.
Genome position (GRCh38, 1-based): chr17:31,258,389, A>C. VCF-style: chr17-31258389-A-C. GRCh37 (hg19) VCF-style: chr17-29585407-A-C.
Other names: c.4156A>C, p.Ser1386Arg (NM_000267.4); short protein forms S1386R, S1407R.
Identifiers: ClinVar variation 1716658 (VCV001716658.5), dbSNP rs587781755, ClinGen allele CA398997742.